The following is an entry in ClinVar:

ClinVar aggregate classification (germline): Uncertain significance (1 of 4 stars; one submission).

Submission:

Ambry Genetics
Classification: Uncertain significance. Last evaluated: 2025-07-04. Review status: criteria provided, single submitter. Criteria: Ambry Variant Classification Scheme 2023. Collection method: clinical testing. Allele origin: germline.
Comment: The p.T690N variant (also known as c.2069C>A), located in coding exon 1 of the MLH3 gene, results from a C to A substitution at nucleotide position 2069. The threonine at codon 690 is replaced by asparagine, an amino acid with similar properties. This amino acid position is conserved. In addition, this alteration is predicted to be tolerated by in silico analysis. Based on the available evidence, the clinical significance of this variant remains unclear.

NM_001040108.2(MLH3):c.2069C>A (p.Thr690Asn)

Gene: MLH3 (mutL homolog 3; minus strand). Cytogenetic location: 14q24.3.
Variant type: single nucleotide variant.
Coding change: c.2069C>A on transcript NM_001040108.2 (MANE Select); coding-DNA position 2069, C replaced by A.
Protein change: p.Thr690Asn; replaces threonine 690 with asparagine.
Molecular consequence: missense variant.
Genome position (GRCh38, 1-based): chr14:75,047,587, G>T on the plus strand (C>A on the coding strand, the complement: MLH3 is on the minus strand). VCF-style: chr14-75047587-G-T. GRCh37 (hg19) VCF-style: chr14-75514290-G-T.
Other names: c.2069C>A, p.Thr690Asn (NM_014381.3); short protein forms T690N.
Identifiers: ClinVar variation 4108631 (VCV004108631.1).